The following is an entry in ClinVar:

NM_020458.4(TTC7A):c.1056C>T (p.Ser352=)

Gene: TTC7A (tetratricopeptide repeat domain 7A; plus strand). Cytogenetic location: 2p21.
Variant type: single nucleotide variant.
Coding change: c.1056C>T on transcript NM_020458.4 (MANE Select); coding-DNA position 1056, C replaced by T.
Protein change: p.Ser352=; no amino-acid change (serine 352 retained).
Molecular consequence: synonymous variant. On other transcripts: 5 prime UTR variant (1).
Genome position (GRCh38, 1-based): chr2:46,995,190, C>T. VCF-style: chr2-46995190-C-T. GRCh37 (hg19) VCF-style: chr2-47222329-C-T.
Other names: c.1056C>T, p.Ser352= (NM_001288951.2); c.954C>T, p.Ser318= (NM_001288953.2); c.-7C>T (NM_001288955.2).
Identifiers: ClinVar variation 1100671 (VCV001100671.11), dbSNP rs887426063, ClinGen allele CA46619374.

ClinVar aggregate classification (germline): Likely benign. Review status: criteria provided, multiple submitters, no conflicts (2 of 4 stars). 2 submissions from 2 submitters: Likely benign (2). Last evaluated 2026-04-01.

Conditions:
Multiple gastrointestinal atresias. Also called: Multiple intestinal atresia; FAMILIAL INTESTINAL POLYATRESIA SYNDROME. Identifiers: Orphanet 2300, MedGen C0220744, MONDO:0009465.

Allele frequency attached by ClinVar (database versions not stated): gnomAD exomes below 0.00001 and 0.00001; TOPMed below 0.00001; gnomAD 0.00002.
gnomAD v4.1: 16 of 1,614,008 alleles (0.00099%); highest among the groups gnomAD compares: East Asian, 0.0022%; no homozygotes.

Submissions (2):

CeGaT Center for Human Genetics Tuebingen
Classification: Likely benign. Last evaluated: 2026-04-01. Review status: criteria provided, single submitter. Criteria: CeGaT Center For Human Genetics Tuebingen Variant Classification Criteria Version 2. Collection method: clinical testing. Allele origin: germline. Affected: yes. Observed: 1 variant allele.
Comment: TTC7A: BP4, BP7

Labcorp Genetics (formerly Invitae), Labcorp
Classification: Likely benign for Multiple gastrointestinal atresias. Last evaluated: 2026-01-18. Review status: criteria provided, single submitter. Criteria: Invitae Variant Classification Sherloc (09022015). Collection method: clinical testing. Allele origin: germline.